The following is an entry in ClinVar:

NM_022455.5(NSD1):c.2809C>T (p.Arg937Trp)

Gene: NSD1 (nuclear receptor binding SET domain protein 1; plus strand). Cytogenetic location: 5q35.3.
Variant type: single nucleotide variant.
Coding change: c.2809C>T on transcript NM_022455.5 (MANE Select); coding-DNA position 2809, C replaced by T.
Protein change: p.Arg937Trp; replaces arginine 937 with tryptophan.
Molecular consequence: missense variant.
Genome position (GRCh38, 1-based): chr5:177,211,208, C>T. VCF-style: chr5-177211208-C-T. GRCh37 (hg19) VCF-style: chr5-176638209-C-T.
Other names: c.1936C>T, p.Arg646Trp (NM_001365684.2, NM_001409306.1, NM_001409307.1 and 3 more transcripts); c.2809C>T, p.Arg937Trp (NM_001409301.1, NM_001409302.1, NM_001409303.1); c.2389C>T, p.Arg797Trp (NM_001409304.1); c.2056C>T, p.Arg686Trp (NM_001409305.1); short protein forms R668W, R937W, R797W, R686W, R646W.
Identifiers: ClinVar variation 973339 (VCV000973339.7), dbSNP rs780991637, ClinGen allele CA3577322.

ClinVar aggregate classification (germline): Conflicting classifications of pathogenicity. Review status: criteria provided, conflicting classifications (1 of 4 stars). 3 submissions from 3 submitters: Uncertain significance (2); Likely benign (1). Last evaluated 2025-03-10.

Conditions:
Sotos syndrome (SOTOS). Also called: Sotos' syndrome; CHROMOSOME 5q35 DELETION SYNDROME; SOTOS SYNDROME 1; Distinctive facial appearance, overgrowth in childhood, and learning disabilities or delayed development; CEREBRAL GIGANTISM. Identifiers: Orphanet 821, MedGen C0175695, MONDO:0019349, OMIM 117550.

Allele frequency attached by ClinVar (database versions not stated): gnomAD 0.00001; TOPMed 0.00002; gnomAD exomes 0.00003 and 0.00004; ExAC 0.00005.
gnomAD v4.1: 50 of 1,613,616 alleles (0.0031%); highest among the groups gnomAD compares: Admixed American, 0.0067%; no homozygotes.

Submissions (3):

Labcorp Genetics (formerly Invitae), Labcorp
Classification: Likely benign. Last evaluated: 2025-03-10. Review status: criteria provided, single submitter. Criteria: Invitae Variant Classification Sherloc (09022015). Collection method: clinical testing. Allele origin: germline.

Fulgent Genetics
Classification: Uncertain significance for Sotos syndrome. Last evaluated: 2021-10-20. Review status: criteria provided, single submitter. Criteria: ACMG Guidelines, 2015. Collection method: clinical testing. Allele origin: unknown.

UNC Molecular Genetics  Laboratory, University of North Carolina at Chapel Hill
Classification: Uncertain significance for Sotos syndrome 1. Review status: criteria provided, single submitter. Criteria: ACMG Guidelines, 2015. Collection method: research. Allele origin: germline. Observed: 1 variant allele. Study: CSER_NCGENES_2.
Comment: NSD1 c.2809C>T [p.R937W] is a missense variant that changes a single amino acid from an arginine to a tryptophan. This is a rare variant present in population databases (gnomAD) at low allele frequency; however it has not previously been reported in the literature and is of uncertain clinical significance.